The following is an entry in ClinVar:

ClinVar aggregate classification (germline): Likely pathogenic (1 of 4 stars; one submission).

Conditions:
Polycystic kidney disease 2 (PKD2). Also called: POLYCYSTIC KIDNEY DISEASE 2 WITH OR WITHOUT POLYCYSTIC LIVER DISEASE; Polycystic Kidney Disease 2, Autosomal Dominant; POLYCYSTIC KIDNEY DISEASE, ADULT, TYPE II. Identifiers: MedGen C2751306, MONDO:0013131, OMIM 613095.

Submission:

Juno Genomics, Hangzhou Juno Genomics, Inc
Classification: Likely pathogenic for Polycystic kidney disease 2. Review status: criteria provided, single submitter. Criteria: ACMG Guidelines, 2015. Collection method: clinical testing. Allele origin: germline. Affected: yes.
Comment: Absent from controls (or at extremely low frequency if recessive) in Genome Aggregation Database.;Null variant in a gene where loss of function (LOF) is a known mechanism of disease.;Patient's phenotype or family history is highly specific for a disease with a single genetic etiology.

NM_000297.4(PKD2):c.1319+1G>C

Gene: PKD2 (polycystin 2, transient receptor potential cation channel; plus strand). Cytogenetic location: 4q22.1.
Variant type: single nucleotide variant.
Coding change: c.1319+1G>C on transcript NM_000297.4 (MANE Select); the canonical splice donor site of the intron after coding-DNA position 1319, G replaced by C.
Molecular consequence: splice donor variant. On other transcripts: intron variant (1).
Genome position (GRCh38, 1-based): chr4:88,043,458, G>C. VCF-style: chr4-88043458-G-C. GRCh37 (hg19) VCF-style: chr4-88964610-G-C.
Other names: c.1095-3184G>C (NM_001440544.1).
Identifiers: ClinVar variation 5019876 (VCV005019876.1).
Genomic context (GRCh38, chr4:88,043,458, plus strand): 5'-GGCAACTTTTATTGACTTCTCAGTGTACAACGCCAACATTAACCTGTTCTGTGTGGTCAG[G>C]TGTGTACTGAGGACATGCATCCCTCCTATTTCTGTGTGGTTGTACATACATCCTATTCTG-3'